The following is an entry in ClinVar:

ClinVar aggregate classification (germline): drug response (0 of 4 stars; one submission).

Conditions:
Thalidomide response. Identifiers: MedGen CN297989.

gnomAD v4.1: 829,281 of 1,598,054 alleles (52%); highest among the groups gnomAD compares: Admixed American, 60%; 223,049 homozygotes.

Submission:

Rare Diseases Genetics and Genomics, Islamia College Peshawar
Classification: drug response for Thalidomide response. Review status: no assertion criteria provided. Collection method: research. Allele origin: germline. Affected: yes.
Comment: this variant was associated with non-response to thalidomide (not achieving transfusion independence)

NM_015299.3(KHNYN):c.782A>C (p.Lys261Thr)

Gene: KHNYN (KH and NYN domain containing; plus strand). Cytogenetic location: 14q12.
Variant type: single nucleotide variant.
Coding change: c.782A>C on transcript NM_015299.3 (MANE Select); coding-DNA position 782, A replaced by C.
Protein change: p.Lys261Thr; replaces lysine 261 with threonine.
Molecular consequence: missense variant.
Genome position (GRCh38, 1-based): chr14:24,432,043, A>C. VCF-style: chr14-24432043-A-C. GRCh37 (hg19) VCF-style: chr14-24901249-A-C.
Other names: c.905A>C, p.Lys302Thr (NM_001290256.2); c.782A>C, p.Lys261Thr (NM_001290257.2); short protein forms K261T, K302T.
Identifiers: ClinVar variation 3900038 (VCV003900038.1).